The following is an entry in ClinVar:

NM_018127.7(ELAC2):c.77_89del (p.Pro26fs)

Gene: ELAC2 (elaC ribonuclease Z 2; minus strand). Cytogenetic location: 17p12.
Variant type: Deletion.
Coding change: c.77_89del on transcript NM_018127.7 (MANE Select); coding-DNA positions 77 to 89, 13 bases deleted (CCGCCCGCCGCGA).
Protein change: p.Pro26fs; shifts the reading frame from proline 26.
Molecular consequence: frameshift variant.
Genome position (GRCh38, 1-based): chr17:13,017,859-13,017,871, TCGCGGCGGGCGG deleted on the plus strand (CCGCCCGCCGCGA on the coding strand, the reverse complement: ELAC2 is on the minus strand). VCF-style (leftmost placement, unchanged base first): chr17-13017858-CTCGCGGCGGGCGG-C. GRCh37 (hg19) VCF-style: chr17-12921175-CTCGCGGCGGGCGG-C.
Other names: c.77_89del, p.Pro26fs (NM_001165962.2, NM_173717.2); short protein forms P26fs.
Identifiers: ClinVar variation 3616468 (VCV003616468.2).
Genomic context (GRCh38, chr17:13,017,858, plus strand): 5'-CCCCGACGGTCCGCGCTTCTCTCGCGTGCGCAGGTGCCGCAGCGGGTCCTTGCGCGGCCG[CTCGCGGCGGGCGG>C]GTGCCTGCGATATGGTGCGTCCCTGCGACATGGTGCGTCCGGCCGCGGACCGCAGCAGCG-3'

ClinVar aggregate classification (germline): Pathogenic (1 of 4 stars; one submission).

Conditions:
Combined oxidative phosphorylation defect type 17. Also called: Combined oxidative phosphorylation deficiency 17. Identifiers: Orphanet 369913, MedGen C3809526, MONDO:0014190, OMIM 615440.

Submission:

Labcorp Genetics (formerly Invitae), Labcorp
Classification: Pathogenic for Combined oxidative phosphorylation defect type 17. Last evaluated: 2024-06-09. Review status: criteria provided, single submitter. Criteria: Invitae Variant Classification Sherloc (09022015). Collection method: clinical testing. Allele origin: germline.
Comment: This sequence change creates a premature translational stop signal (p.Pro26Argfs*71) in the ELAC2 gene. It is expected to result in an absent or disrupted protein product. Loss-of-function variants in ELAC2 are known to be pathogenic (PMID: 27769300, 31045291). This variant is not present in population databases (gnomAD no frequency). This variant has not been reported in the literature in individuals affected with ELAC2-related conditions. For these reasons, this variant has been classified as Pathogenic.

Literature cited by the submitters: PubMed 27769300; PubMed 31045291.